The following is an entry in ClinVar:

NM_004187.5(KDM5C):c.3897A>G (p.Glu1299=)

Gene: KDM5C (lysine demethylase 5C; minus strand). Cytogenetic location: Xp11.22.
Variant type: single nucleotide variant.
Coding change: c.3897A>G on transcript NM_004187.5 (MANE Select); coding-DNA position 3897, A replaced by G.
Protein change: p.Glu1299=; no amino-acid change (glutamic acid 1299 retained).
Molecular consequence: synonymous variant. On other transcripts: non-coding transcript variant (3).
Genome position (GRCh38, 1-based): chrX:53,194,280, T>C on the plus strand (A>G on the coding strand, the complement: KDM5C is on the minus strand). VCF-style: chrX-53194280-T-C. GRCh37 (hg19) VCF-style: chrX-53223462-T-C.
Other names: c.3696A>G, p.Glu1232= (NM_001146702.2); c.3894A>G, p.Glu1298= (NM_001282622.3, NM_001353979.2, NM_001353982.2); c.3897A>G, p.Glu1299= (NM_001353978.3, NM_001353981.2, NM_001353984.2).
Identifiers: ClinVar variation 1609248 (VCV001609248.31), dbSNP rs782180827, ClinGen allele CA10419174.

ClinVar aggregate classification (germline): Benign/Likely benign. Review status: criteria provided, multiple submitters, no conflicts (2 of 4 stars). 2 submissions from 2 submitters: Benign (1); Likely benign (1). Last evaluated 2025-10-11.

Conditions:
Spastic paraplegia. Identifiers: MedGen C0037772, HP:0001258.

Allele frequency attached by ClinVar (database versions not stated): gnomAD 0.00001; ExAC 0.00002; gnomAD exomes 0.00002 and 0.00003; TOPMed 0.00002.
gnomAD v4.1: 30 of 1,211,228 alleles (0.0025%); highest among the groups gnomAD compares: Non-Finnish European, 0.0032%; no homozygotes.

Submissions (2):

Labcorp Genetics (formerly Invitae), Labcorp
Classification: Benign for Spastic paraplegia. Last evaluated: 2025-10-11. Review status: criteria provided, single submitter. Criteria: Invitae Variant Classification Sherloc (09022015). Collection method: clinical testing. Allele origin: germline.

CeGaT Center for Human Genetics Tuebingen
Classification: Likely benign. Last evaluated: 2023-11-01. Review status: criteria provided, single submitter. Criteria: CeGaT Center For Human Genetics Tuebingen Variant Classification Criteria Version 2. Collection method: clinical testing. Allele origin: germline. Affected: yes. Observed: 1 variant allele.
Comment: KDM5C: BP4, BP7